The following is an entry in ClinVar:

NM_001966.4(EHHADH):c.820_821delinsAA (p.Ala274Asn)

Gene: EHHADH (enoyl-CoA hydratase and 3-hydroxyacyl CoA dehydrogenase; minus strand). Cytogenetic location: 3q27.2.
Variant type: Indel.
Coding change: c.820_821delinsAA on transcript NM_001966.4 (MANE Select); coding-DNA positions 820 to 821, GC replaced by AA.
Protein change: p.Ala274Asn; replaces alanine 274 with asparagine.
Molecular consequence: missense variant.
Genome position (GRCh38, 1-based): chr3:185,204,505-185,204,506, GC replaced by TT on the plus strand (GC replaced by AA on the coding strand, the reverse complement: EHHADH is on the minus strand). VCF-style: chr3-185204505-GC-TT. GRCh37 (hg19) VCF-style: chr3-184922293-GC-TT.
Other names: c.532_533delinsAA, p.Ala178Asn (NM_001166415.2); short protein forms A274N, A178N.
Identifiers: ClinVar variation 4997924 (VCV004997924.1).

ClinVar aggregate classification (germline): Uncertain significance (1 of 4 stars; one submission).

Conditions:
EHHADH-related disorder. Also called: EHHADH-related condition.

Submission:

PreventionGenetics, part of Exact Sciences
Classification: Uncertain significance for EHHADH-related condition. Last evaluated: 2024-11-19. Review status: criteria provided, single submitter. Criteria: ACMG Guidelines, 2015. Collection method: clinical testing. Allele origin: germline.
Comment: The EHHADH c.820_821delinsAA variant is predicted to result in an in-frame deletion and insertion. To our knowledge, this variant has not been reported in the literature or in a large population database (gnomAD), indicating this variant is rare. At this time, the clinical significance of this variant is uncertain due to the absence of conclusive functional and genetic evidence.